The following is an entry in ClinVar:

NM_025114.4(CEP290):c.6909A>C (p.Ala2303=)

Gene: CEP290 (centrosomal protein 290; minus strand). Cytogenetic location: 12q21.32.
Variant type: single nucleotide variant.
Coding change: c.6909A>C on transcript NM_025114.4 (MANE Select); coding-DNA position 6909, A replaced by C.
Protein change: p.Ala2303=; no amino-acid change (alanine 2303 retained).
Molecular consequence: synonymous variant.
Genome position (GRCh38, 1-based): chr12:88,055,627, T>G on the plus strand (A>C on the coding strand, the complement: CEP290 is on the minus strand). VCF-style: chr12-88055627-T-G. GRCh37 (hg19) VCF-style: chr12-88449404-T-G.
Identifiers: ClinVar variation 704813 (VCV000704813.14), dbSNP rs774138995, ClinGen allele CA6711407.

ClinVar aggregate classification (germline): Likely benign. Review status: criteria provided, multiple submitters, no conflicts (2 of 4 stars). 4 submissions from 4 submitters: Likely benign (2). 2 of the submissions do not count toward it. Last evaluated 2025-04-22.

Conditions:
CEP290-related disorder. Also called: CEP290-related condition; CEP290-related disorders. Identifiers: MedGen CN239314.
Nephronophthisis. Also called: Juvenile Nephronophthisis. Identifiers: Orphanet 655, MedGen C0687120, MONDO:0019005, HP:0000090.
Meckel-Gruber syndrome. Also called: DYSENCEPHALIA SPLANCHNOCYSTICA; GRUBER SYNDROME; Dysencephalia splachnocystica. Identifiers: Orphanet 564, MedGen C0265215, MONDO:0018921.
Joubert syndrome. Also called: JOUBERT-BOLTSHAUSER SYNDROME; Familial aplasia of the vermis. Identifiers: Orphanet 475, MedGen C5979921, MONDO:0018772.
Leber congenital amaurosis (LCA). Also called: Leber's amaurosis. Identifiers: Orphanet 65, MedGen C0339527, MeSH D057130, MONDO:0018998.

Allele frequency attached by ClinVar (database versions not stated): gnomAD exomes below 0.00001 and 0.00001; ExAC 0.00002; TOPMed 0.00002; gnomAD 0.00006.
gnomAD v4.1: 11 of 1,577,686 alleles (0.0007%); highest among the groups gnomAD compares: African/African-American, 0.015%; no homozygotes.

Submissions (4):

Labcorp Genetics (formerly Invitae), Labcorp
Classification: Likely benign for Joubert syndrome; Meckel-Gruber syndrome; Nephronophthisis. Last evaluated: 2025-04-22. Review status: criteria provided, single submitter. Criteria: Invitae Variant Classification Sherloc (09022015). Collection method: clinical testing. Allele origin: germline.

Blueprint Genetics
Classification: Likely benign. Last evaluated: 2022-11-19. Review status: criteria provided, single submitter. Criteria: ACMG Guidelines, 2015. Collection method: clinical testing. Allele origin: germline.

Natera, Inc.
Classification: Likely benign for Leber congenital amaurosis. Last evaluated: 2020-09-16. Review status: no assertion criteria provided. Collection method: clinical testing. Allele origin: germline. Not counted in ClinVar's aggregate classification.

PreventionGenetics, part of Exact Sciences
Classification: Likely benign for CEP290-related condition. Last evaluated: 2020-02-17. Review status: no assertion criteria provided. Collection method: clinical testing. Allele origin: germline. Not counted in ClinVar's aggregate classification.
Comment: This variant is classified as likely benign based on ACMG/AMP sequence variant interpretation guidelines (Richards et al. 2015 PMID: 25741868, with internal and published modifications).